The following is an entry in ClinVar:

NM_000823.4(GHRHR):c.281G>A (p.Arg94Gln)

Gene: GHRHR (growth hormone releasing hormone receptor; plus strand). Cytogenetic location: 7p14.3.
Variant type: single nucleotide variant.
Coding change: c.281G>A on transcript NM_000823.4 (MANE Select); coding-DNA position 281, G replaced by A.
Protein change: p.Arg94Gln; replaces arginine 94 with glutamine.
Molecular consequence: missense variant.
Genome position (GRCh38, 1-based): chr7:30,969,879, G>A. VCF-style: chr7-30969879-G-A. GRCh37 (hg19) VCF-style: chr7-31009494-G-A.
Other names: short protein forms R94Q.
Identifiers: ClinVar variation 161436 (VCV000161436.8), dbSNP rs200848306, ClinGen allele CA174022.
Genomic context (GRCh38, chr7:30,969,879, plus strand): 5'-TGGGGAGAGGGAAGGAGTTGTGGCTAGAGAGTCTTGCTTGCCTCCCAGGGGCTGTGAAAC[G>A]GGATTGTACTATCACTGGCTGGTCTGAGCCCTTTCCACCTTACCCTGTGGCCTGCCCTGT-3'
Protein context (NP_000814.2, residues 84-104): HFSSESGAVK[Arg94Gln]DCTITGWSEP

ClinVar aggregate classification (germline): Pathogenic/Likely pathogenic. Review status: criteria provided, multiple submitters, no conflicts (2 of 4 stars). 6 submissions from 6 submitters: Pathogenic (3); Likely pathogenic (2). 1 of the submissions does not count toward it. Last evaluated 2025-12-04.

Conditions:
Isolated growth hormone deficiency, type 4. Also called: ISOLATED GROWTH HORMONE DEFICIENCY, TYPE IV; DWARFISM OF SINDH. Identifiers: Orphanet 684247, MedGen C4722273, MONDO:0032567, OMIM 618157.
GHRHR-related disorder. Also called: GHRHR-related condition.
Isolated growth hormone deficiency type IB (IGHD1B). Also called: IGHD 1B; IGHD IB. Identifiers: Orphanet 231671, Orphanet 631, MedGen C2748571, MONDO:0013006, OMIM 612781.

Allele frequency attached by ClinVar (database versions not stated): gnomAD 0.00001; TOPMed 0.00001; 1000 Genomes Project 30x 0.00031.

Submissions (6):

3billion
Classification: Pathogenic for Isolated growth hormone deficiency, type 4. Last evaluated: 2025-12-04. Review status: criteria provided, single submitter. Criteria: ACMG Guidelines, 2015. Collection method: clinical testing. Allele origin: germline. Affected: yes.
Comment: The variant is observed at an extremely low frequency in the gnomAD v4.1.0 dataset (total allele frequency: <0.001%). Predicted Consequence/Location: Missense variant Functional studies provide moderate evidence of the variant having a damaging effect on the gene or gene product (PMID: 31231873). In silico tool predictions suggest damaging effect of the variant on gene or gene product [REVEL: 0.69 (>=0.6, sensitivity 0.68 and specificity 0.92)]. The same nucleotide change resulting in the same amino acid change has been previously reported as pathogenic/likely pathogenic with strong evidence (ClinVar ID: VCV000161436 /PMID: 31231873). Different missense changes at the same codon (p.Arg94Leu, p.Arg94Trp) have been reported to be associated with GHRHR-related disorder (ClinVar ID: VCV001449976 /PMID: 19567534, 22844977). Therefore, this variant is classified as Pathogenic according to the recommendation of ACMG/AMP guideline.

Women's Health and Genetics/Laboratory Corporation of America, LabCorp
Classification: Pathogenic for Isolated growth hormone deficiency, type 4. Last evaluated: 2025-05-09. Review status: criteria provided, single submitter. Criteria: LabCorp Variant Classification Summary - May 2015. Collection method: clinical testing. Allele origin: germline.
Comment: Variant summary: GHRHR c.281G>A (p.Arg94Gln) results in a conservative amino acid change in the encoded protein sequence. Algorithms developed to predict the effect of missense changes on protein structure and function are either unavailable or do not agree on the potential impact of this missense change. The variant allele was found at a frequency of 8e-06 in 251490 control chromosomes. c.281G>A has been observed in individual(s) affected with Isolated growth hormone deficiency, type 4 (example: Kale_2020, Cohen_2019). Other variant(s) that disrupt this residue have been determined to be pathogenic (PMID: 22844977, 32894409). These data indicate that the variant is likely to be associated with disease. The following publications have been ascertained in the context of this evaluation (PMID: 32894409, 31231873). ClinVar contains an entry for this variant (Variation ID: 161436). Based on the evidence outlined above, the variant was classified as pathogenic.

Labcorp Genetics (formerly Invitae), Labcorp
Classification: Pathogenic. Last evaluated: 2024-06-11. Review status: criteria provided, single submitter. Criteria: Invitae Variant Classification Sherloc (09022015). Collection method: clinical testing. Allele origin: germline.
Comment: This sequence change replaces arginine, which is basic and polar, with glutamine, which is neutral and polar, at codon 94 of the GHRHR protein (p.Arg94Gln). This variant is present in population databases (rs200848306, gnomAD 0.007%). This missense change has been observed in individuals with growth hormone deficiency (PMID: 31231873, 32894409). ClinVar contains an entry for this variant (Variation ID: 161436). Advanced modeling of protein sequence and biophysical properties (such as structural, functional, and spatial information, amino acid conservation, physicochemical variation, residue mobility, and thermodynamic stability) performed at Invitae indicates that this missense variant is not expected to disrupt GHRHR protein function with a negative predictive value of 80%. Algorithms developed to predict the effect of sequence changes on RNA splicing suggest that this variant may disrupt the consensus splice site. This variant disrupts the p.Arg94 amino acid residue in GHRHR. Other variant(s) that disrupt this residue have been determined to be pathogenic (PMID: 22844977, 32894409). This suggests that this residue is clinically significant, and that variants that disrupt this residue are likely to be disease-causing. For these reasons, this variant has been classified as Pathogenic.

Genomic Medicine Center of Excellence, King Faisal Specialist Hospital and Research Centre
Classification: Likely pathogenic for Isolated growth hormone deficiency, type 4. Last evaluated: 2024-04-04. Review status: criteria provided, single submitter. Criteria: ACMG Guidelines, 2015. Collection method: clinical testing. Allele origin: germline.

Blueprint Genetics
Classification: Likely pathogenic for GHRHR-related disorders. Last evaluated: 2022-03-17. Review status: criteria provided, single submitter. Criteria: ACMG Guidelines, 2015. Collection method: clinical testing. Allele origin: germline. Affected: yes. Observed: 5 variant alleles.

Endocrinology Clinic, Seth G.S. Medical College
Classification: Likely pathogenic for Isolated growth hormone deficiency type 1B. Last evaluated: 2013-04-22. Review status: no assertion criteria provided. Collection method: case-control. Allele origin: inherited. Inheritance: Autosomal recessive inheritance. Affected: yes. Observed: 2 heterozygotes, 2 compound heterozygotes. Not counted in ClinVar's aggregate classification.

Literature cited by the submitters: PubMed 31231873 (cited by 3 submitters); PubMed 19567534 (cited by 3billion); PubMed 32894409 (cited by Women's Health and Genetics/Laboratory Corporation of America, LabCorp and Labcorp Genetics (formerly Invitae), Labcorp); PubMed 22844977 (cited by Labcorp Genetics (formerly Invitae), Labcorp).